The following is an entry in ClinVar:

ClinVar aggregate classification (germline): Uncertain significance (1 of 4 stars; one submission).

Allele frequency attached by ClinVar (database versions not stated): gnomAD exomes below 0.00001; gnomAD 0.00001.

Submission:

GeneDx
Classification: Uncertain significance. Last evaluated: 2022-05-21. Review status: criteria provided, single submitter. Criteria: GeneDx Variant Classification Process June 2021. Collection method: clinical testing. Allele origin: germline. Affected: yes.
Comment: Not observed in large population cohorts (gnomAD); In silico analysis supports that this missense variant has a deleterious effect on protein structure/function; This variant is associated with the following publications: (PMID: 33473207)

NM_002069.6(GNAI1):c.262A>G (p.Met88Val)

Gene: GNAI1 (G protein subunit alpha i1; plus strand). Cytogenetic location: 7q21.11.
Variant type: single nucleotide variant.
Coding change: c.262A>G on transcript NM_002069.6 (MANE Select); coding-DNA position 262, A replaced by G.
Protein change: p.Met88Val; replaces methionine 88 with valine.
Molecular consequence: missense variant.
Genome position (GRCh38, 1-based): chr7:80,189,190, A>G. VCF-style: chr7-80189190-A-G. GRCh37 (hg19) VCF-style: chr7-79818506-A-G.
Other names: c.106A>G, p.Met36Val (NM_001256414.2); short protein forms M36V, M88V.
Identifiers: ClinVar variation 1691129 (VCV001691129.2), dbSNP rs1788437748, ClinGen allele CA368011767.